The following is an entry in ClinVar:

ClinVar aggregate classification (germline): Conflicting classifications of pathogenicity. Review status: criteria provided, conflicting classifications (1 of 4 stars). 3 submissions from 3 submitters: Pathogenic (1); Uncertain significance (2). Last evaluated 2018-04-19.

Conditions:
Mucopolysaccharidosis type 6 (MPS6). Also called: MPS VI; ARSB DEFICIENCY; ARYLSULFATASE B DEFICIENCY; N-ACETYLGALACTOSAMINE-4-SULFATASE DEFICIENCY; MPS 6; Maroteaux Lamy syndrome. Identifiers: Orphanet 583, MedGen C0026709, MONDO:0009661, OMIM 253200.

gnomAD v4.1: 6 of 1,542,032 alleles (0.00039%); highest among the groups gnomAD compares: South Asian, 0.0012%; no homozygotes.

Submissions (3):

Women's Health and Genetics/Laboratory Corporation of America, LabCorp
Classification: Uncertain significance. Last evaluated: 2018-04-19. Review status: criteria provided, single submitter. Criteria: LabCorp Variant Classification Summary - May 2015. Collection method: clinical testing. Allele origin: germline.
Comment: Variant summary: ARSB c.215T>A (p.Leu72Gln) results in a non-conservative amino acid change located in the Sulfatase, N-terminal domain (IPR000917) of the encoded protein sequence. Five of five in-silico tools predict a damaging effect of the variant on protein function. The variant was absent in 30582 control chromosomes (gnomAD). The available data on variant occurrences in the general population are insufficient to allow any conclusion about variant significance. The variant, c.215T>A, has been reported in the literature in one individual affected with Mucopolysaccharidosis Type VI (Maroteaux-Lamy Syndrome)(Isbrandt_1995), together with the likely pathogenic (in our internal database) variant c.219_230delinsG (p.Asp73fsX50) on the same allele and c.743delC (p.Pro248Leufs*5) on the other allele, suggesting a potential benign effect. The same publication reports experimental evidence evaluating an impact on protein function, however, does not allow convincing conclusions about the variant effect. However, one clinical diagnostic laboratory has submitted clinical-significance assessments for this variant to ClinVar after 2014 without evidence for independent evaluation and classified the variant as pathogenic. In addition, multiple reports in HGMD related to other variants affecting this codon suggest this might be a hotspot. Based on the evidence outlined above, the variant was classified as uncertain significance.

Laboratory of Diagnosis and Therapy of Lysosomal Disorders, University of Padova
Classification: Uncertain significance for Mucopolysaccharidosis type 6. Last evaluated: 2018-01-01. Review status: criteria provided, single submitter. Criteria: ACMG Guidelines, 2015. Collection method: curation. Allele origin: germline. Affected: yes.
Comment: Absent from GnomAD (PM2)

Center for Pediatric Genomic Medicine, Children's Mercy Hospital and Clinics
Classification: Pathogenic. Last evaluated: 2015-06-12. Review status: criteria provided, single submitter. Criteria: ACMG Guidelines, 2015. Collection method: clinical testing. Allele origin: germline.

Literature cited by the submitters: PubMed 11668612 (cited by Women's Health and Genetics/Laboratory Corporation of America, LabCorp); PubMed 8723688 (cited by Women's Health and Genetics/Laboratory Corporation of America, LabCorp and Laboratory of Diagnosis and Therapy of Lysosomal Disorders, University of Padova); PubMed 10036316 (cited by Women's Health and Genetics/Laboratory Corporation of America, LabCorp); PubMed 30118150 (cited by Laboratory of Diagnosis and Therapy of Lysosomal Disorders, University of Padova).

NM_000046.5(ARSB):c.215T>A (p.Leu72Gln)

Genes: ARSB (arylsulfatase B; minus strand), LOC129994126 (ATAC-STARR-seq lymphoblastoid silent region 16127; plus strand). Cytogenetic location: 5q14.1.
Variant type: single nucleotide variant.
Coding change: c.215T>A on transcript NM_000046.5 (MANE Select); coding-DNA position 215, T replaced by A.
Protein change: p.Leu72Gln; replaces leucine 72 with glutamine.
Molecular consequence: missense variant.
Genome position (GRCh38, 1-based): chr5:78,985,034, A>T on the plus strand (T>A on the coding strand, the complement: ARSB is on the minus strand). VCF-style: chr5-78985034-A-T. GRCh37 (hg19) VCF-style: chr5-78280857-A-T.
Other names: c.215T>A, p.Leu72Gln (NM_198709.3); short protein forms L72Q.
Identifiers: ClinVar variation 883 (VCV000000883.3), dbSNP rs397514441, ClinGen allele CA114606.
Genomic context (GRCh38, chr5:78,985,034, plus strand): 5'-GTGCACAGCGGCTGCGTGTAGTAGTTGTCCAGGAGCACCCCGCCGGCCGCCAGCGCGTCC[A>T]GGTGCGGCGTGCGGATGCGGGAGCCGTGGAAGCCGACGTCGTTCCAGCCTAGGTCGTCTG-3'
Protein context (NP_000037.2, residues 62-82): FHGSRIRTPH[Leu72Gln]DALAAGGVLL